The following is an entry in ClinVar:

ClinVar aggregate classification (germline): Pathogenic/Likely pathogenic. Review status: criteria provided, multiple submitters, no conflicts (2 of 4 stars). 5 submissions from 5 submitters: Pathogenic (4); Likely pathogenic (1). Last evaluated 2024-11-08.

Conditions:
Hereditary nonpolyposis colorectal neoplasms. Identifiers: MedGen C0009405, MeSH D003123.
Hereditary nonpolyposis colon cancer (HNPCC). Also called: Hereditary nonpolyposis colorectal cancer; Familial nonpolyposis colon cancer; Hereditary Nonpolyposis Colorectal Cancer Syndrome. Identifiers: Orphanet 443909, MedGen C1333990, MONDO:0018630. Disease mechanism: loss of function.
Hereditary cancer-predisposing syndrome. Also called: Hereditary Cancer Syndrome; Neoplastic Syndromes, Hereditary; Tumor predisposition; Hereditary neoplastic syndrome. Identifiers: Orphanet 140162, MedGen C0027672, MeSH D009386, MONDO:0015356.
Lynch syndrome 4 (LYNCH4). Also called: Colorectal cancer, hereditary nonpolyposis, type 4; Hereditary non-polyposis colorectal cancer, type 4. Identifiers: Orphanet 144, MedGen C1838333, MONDO:0013699, OMIM 614337. Disease mechanism: loss of function.

Submissions (5):

Ambry Genetics
Classification: Pathogenic for Hereditary cancer-predisposing syndrome. Last evaluated: 2024-11-08. Review status: criteria provided, single submitter. Criteria: Ambry Variant Classification Scheme 2023. Collection method: clinical testing. Allele origin: germline.
Comment: The c.1571dupC pathogenic mutation, located in coding exon 11 of the PMS2 gene, results from a duplication of C at nucleotide position 1571, causing a translational frameshift with a predicted alternate stop codon (p.P524Pfs*18). In addition to the information presented in the literature, this alteration is expected to result in loss of function by premature protein truncation or nonsense-mediated mRNA decay. Based on the supporting evidence, this variant is interpreted as a disease-causing mutation.

Myriad Genetics, Inc.
Classification: Pathogenic for Lynch syndrome 4. Last evaluated: 2023-09-20. Review status: criteria provided, single submitter. Criteria: Myriad Autosomal Dominant, Autosomal Recessive and X-Linked Classification Criteria (2023). Collection method: clinical testing. Allele origin: unknown.
Comment: This variant is considered pathogenic. This variant creates a frameshift predicted to result in premature protein truncation.

Labcorp Genetics (formerly Invitae), Labcorp
Classification: Pathogenic for Hereditary nonpolyposis colorectal neoplasms. Last evaluated: 2023-03-14. Review status: criteria provided, single submitter. Criteria: Invitae Variant Classification Sherloc (09022015). Collection method: clinical testing. Allele origin: germline.
Comment: For these reasons, this variant has been classified as Pathogenic. ClinVar contains an entry for this variant (Variation ID: 480313). This premature translational stop signal has been observed in individual(s) with constitutional mismatch repair deficiency (PMID: 26391938). This variant is not present in population databases (gnomAD no frequency). This sequence change creates a premature translational stop signal (p.Gly525Argfs*17) in the PMS2 gene. It is expected to result in an absent or disrupted protein product. Loss-of-function variants in PMS2 are known to be pathogenic (PMID: 21376568, 24362816).

Women's Health and Genetics/Laboratory Corporation of America, LabCorp
Classification: Likely pathogenic for Hereditary nonpolyposis colon cancer. Last evaluated: 2022-03-14. Review status: criteria provided, single submitter. Criteria: LabCorp Variant Classification Summary - May 2015. Collection method: clinical testing. Allele origin: germline.
Comment: Variant summary: PMS2 c.1571dupC (p.Gly525ArgfsX17) results in a premature termination codon, predicted to cause a truncation of the encoded protein or absence of the protein due to nonsense mediated decay, which are commonly known mechanisms for disease. Truncations downstream of this position have been classified as pathogenic by our laboratory. The variant was absent in 251080 control chromosomes. To our knowledge, no occurrence of c.1571dupC in individuals affected with Hereditary Nonpolyposis Colorectal Cancer and no experimental evidence demonstrating its impact on protein function have been reported. Two clinical diagnostic laboratories have submitted clinical-significance assessments for this variant to ClinVar after 2014 without evidence for independent evaluation. Bothlaboratories classified the variant as pathogenic. Based on the evidence outlined above, the variant was classified as likely pathogenic.

Baylor Genetics
Classification: Pathogenic for Lynch syndrome 4. Last evaluated: 2022-01-27. Review status: criteria provided, single submitter. Criteria: ACMG Guidelines, 2015. Collection method: clinical testing. Allele origin: unknown.

Literature cited by the submitters: PubMed 26391938 (cited by Labcorp Genetics (formerly Invitae), Labcorp); PubMed 21376568 (cited by Labcorp Genetics (formerly Invitae), Labcorp); PubMed 24362816 (cited by Labcorp Genetics (formerly Invitae), Labcorp).

NM_000535.7(PMS2):c.1571dup (p.Gly525fs)

Gene: PMS2 (PMS1 homolog 2, mismatch repair system component; minus strand). Cytogenetic location: 7p22.1.
Variant type: Duplication.
Coding change: c.1571dup on transcript NM_000535.7 (MANE Select); coding-DNA position 1571, one base duplicated (C; older notation c.1571dupC).
Protein change: p.Gly525fs; shifts the reading frame from glycine 525.
Molecular consequence: frameshift variant. On other transcripts: non-coding transcript variant (1).
Genome position (GRCh38, 1-based): chr7:5,987,194, G duplicated on the plus strand (C on the coding strand, the reverse complement: PMS2 is on the minus strand); the first of 4 consecutive G bases (chr7:5,987,194-5,987,197); duplicating any one gives the same sequence. VCF-style (leftmost placement, unchanged base first): chr7-5987193-T-TG. GRCh37 (hg19) VCF-style: chr7-6026824-T-TG.
Other names: c.1166dup, p.Gly390fs (NM_001322003.2, NM_001322004.2, NM_001322005.2 and 1 more transcripts); c.1415dup, p.Gly473fs (NM_001322006.2); c.1253dup, p.Gly419fs (NM_001322007.2, NM_001322008.2); c.1010dup, p.Gly338fs (NM_001322010.2); c.638dup, p.Gly214fs (NM_001322011.2, NM_001322012.2); c.998dup, p.Gly334fs (NM_001322013.2); c.1571dup, p.Gly525fs (NM_001322014.2); c.1262dup, p.Gly422fs (NM_001322015.2); and 1 more; short protein forms G338fs, G419fs, G473fs, G334fs, G390fs, G214fs, G422fs, G525fs.
Identifiers: ClinVar variation 480313 (VCV000480313.18), dbSNP rs1554297534, ClinGen allele CA658655976.